The following is an entry in ClinVar:

ClinVar aggregate classification (germline): Conflicting classifications of pathogenicity. Review status: criteria provided, conflicting classifications (1 of 4 stars). 2 submissions from 2 submitters: Uncertain significance (1); Likely benign (1). Last evaluated 2022-11-22.

Conditions:
Hereditary ataxia. Also called: Hereditary Ataxias. Identifiers: Orphanet 183518, MedGen C0004138, MONDO:0100309, MONDO:0000557.
Autosomal recessive ataxia, Beauce type. Also called: Spinocerebellar ataxia, autosomal recessive 8; ATAXIA, RECESSIVE, OF BEAUCE; SYNE1-Related Autosomal Recessive Cerebellar Ataxia; SYNE1 Deficiency. Identifiers: Orphanet 88644, MedGen C1853116, MONDO:0012549, OMIM 610743.
Emery-Dreifuss muscular dystrophy 4, autosomal dominant (EDMD4). Also called: EMERY-DREIFUSS MUSCULAR DYSTROPHY 4 WITH VARIABLE FEATURES. Identifiers: Orphanet 261, MedGen C2751807, MONDO:0013071, OMIM 612998.

Allele frequency attached by ClinVar (database versions not stated): TOPMed 0.00001; gnomAD 0.00002.
gnomAD v4.1: 51 of 1,614,036 alleles (0.0032%); highest among the groups gnomAD compares: South Asian, 0.045%; 1 homozygote.

Submissions (2):

Labcorp Genetics (formerly Invitae), Labcorp
Classification: Uncertain significance for Emery-Dreifuss muscular dystrophy 4, autosomal dominant; Autosomal recessive ataxia, Beauce type. Last evaluated: 2022-11-22. Review status: criteria provided, single submitter. Criteria: Invitae Variant Classification Sherloc (09022015). Collection method: clinical testing. Allele origin: germline.
Comment: This variant has not been reported in the literature in individuals affected with SYNE1-related conditions. This variant is present in population databases (rs760076679, gnomAD 0.04%). This sequence change replaces aspartic acid, which is acidic and polar, with asparagine, which is neutral and polar, at codon 7793 of the SYNE1 protein (p.Asp7793Asn). ClinVar contains an entry for this variant (Variation ID: 954657). In summary, the available evidence is currently insufficient to determine the role of this variant in disease. Therefore, it has been classified as a Variant of Uncertain Significance. Algorithms developed to predict the effect of missense changes on protein structure and function are either unavailable or do not agree on the potential impact of this missense change (SIFT: "Deleterious"; PolyPhen-2: "Probably Damaging"; Align-GVGD: "Class C0").

Cambridge Genomics Laboratory, East Genomic Laboratory Hub, NHS Genomic Medicine Service
Classification: Likely benign for Hereditary ataxia. Last evaluated: 2019-04-17. Review status: criteria provided, single submitter. Criteria: ACGS Best Practice Guidelines for Variant Classification in Rare Disease 2020. Collection method: clinical testing. Allele origin: germline. Affected: yes. Observed: 1 variant allele.

NM_182961.4(SYNE1):c.23590G>A (p.Asp7864Asn)

Gene: SYNE1 (spectrin repeat containing nuclear envelope protein 1; minus strand). Cytogenetic location: 6q25.2.
Variant type: single nucleotide variant.
Coding change: c.23590G>A on transcript NM_182961.4 (MANE Select); coding-DNA position 23590, G replaced by A.
Protein change: p.Asp7864Asn; replaces aspartic acid 7864 with asparagine.
Molecular consequence: missense variant.
Genome position (GRCh38, 1-based): chr6:152,176,431, C>T on the plus strand (G>A on the coding strand, the complement: SYNE1 is on the minus strand). VCF-style: chr6-152176431-C-T. GRCh37 (hg19) VCF-style: chr6-152497566-C-T.
Other names: c.196G>A, p.Asp66Asn (NM_001347701.2); c.23377G>A, p.Asp7793Asn (NM_033071.5); short protein forms D66N, D7793N, D7864N.
Identifiers: ClinVar variation 954657 (VCV000954657.10), dbSNP rs760076679, ClinGen allele CA4053562.
Genomic context (GRCh38, chr6:152,176,431, plus strand): 5'-CTATTGACTCAGGTCCTCTTTACCTGGCTGCAATGAGGTCCAGGAGATGCTGCCACCGGT[C>T]GTTGACCTTTCCCAGCTTGTATTCAATCTCAGATGCTTTGCTTTCATGGCTGGCTTTAGC-3'
Protein context (NP_892006.3, residues 7854-7874): EIEYKLGKVN[Asp7864Asn]RWQHLLDLIA